The following is an entry in ClinVar:

NM_002439.5(MSH3):c.2857A>T (p.Met953Leu)

Gene: MSH3 (mutS homolog 3; plus strand). Cytogenetic location: 5q14.1.
Variant type: single nucleotide variant.
Coding change: c.2857A>T on transcript NM_002439.5 (MANE Select); coding-DNA position 2857, A replaced by T.
Protein change: p.Met953Leu; replaces methionine 953 with leucine.
Molecular consequence: missense variant.
Genome position (GRCh38, 1-based): chr5:80,854,173, A>T. VCF-style: chr5-80854173-A-T. GRCh37 (hg19) VCF-style: chr5-80149992-A-T.
Other names: short protein forms M953L.
Identifiers: ClinVar variation 645032 (VCV000645032.25), dbSNP rs528928531, ClinGen allele CA3328388.

ClinVar aggregate classification (germline): Uncertain significance. Review status: criteria provided, multiple submitters, no conflicts (2 of 4 stars). 9 submissions from 9 submitters: Uncertain significance (9). Last evaluated 2026-08-18.

Conditions:
Diffuse midline glioma, H3 K27-altered. Identifiers: MedGen C5669877, MONDO:1060171.
MSH3-related disorder. Also called: MSH3-related condition.
Hereditary cancer-predisposing syndrome. Also called: Neoplastic Syndromes, Hereditary; Tumor predisposition; Hereditary neoplastic syndrome; Hereditary Cancer Syndrome. Identifiers: Orphanet 140162, MedGen C0027672, MeSH D009386, MONDO:0015356.
Endometrial carcinoma. Also called: Endometrial carcinoma, somatic. Identifiers: MedGen C0476089, MONDO:0002447, OMIM 608089, HP:0012114.

Allele frequency attached by ClinVar (database versions not stated): gnomAD 0.00001 and 0.00003; ExAC 0.00009; gnomAD exomes 0.00011; 1000 Genomes Project 0.00020; 1000 Genomes Project 30x 0.00031.
gnomAD v4.1: 71 of 1,613,844 alleles (0.0044%); highest among the groups gnomAD compares: South Asian, 0.048%; 1 homozygote.

Submissions (9):

PreventionGenetics, part of Exact Sciences
Classification: Uncertain significance for MSH3-related condition. Last evaluated: 2026-08-18. Review status: criteria provided, single submitter. Criteria: ACMG Guidelines, 2015. Collection method: clinical testing. Allele origin: germline.
Comment: The MSH3 c.2857A>T variant is predicted to result in the amino acid substitution p.Met953Leu. To our knowledge, this variant has not been reported in the literature. This variant is reported in 0.036% of alleles in individuals of South Asian descent in gnomAD and is classified as a variant of uncertain significance in ClinVar (Variation ID: 645032). At this time, the clinical significance of this variant is uncertain due to the absence of conclusive functional and genetic evidence.

Labcorp Genetics (formerly Invitae), Labcorp
Classification: Uncertain significance. Last evaluated: 2026-01-10. Review status: criteria provided, single submitter. Criteria: Invitae Variant Classification Sherloc (09022015). Collection method: clinical testing. Allele origin: germline.
Comment: This sequence change replaces methionine, which is neutral and non-polar, with leucine, which is neutral and non-polar, at codon 953 of the MSH3 protein (p.Met953Leu). This variant is present in population databases (rs528928531, gnomAD 0.04%). This variant has not been reported in the literature in individuals affected with MSH3-related conditions. ClinVar contains an entry for this variant (Variation ID: 645032). An algorithm developed to predict the effect of missense changes on protein structure and function (PolyPhen-2) suggests that this variant is likely to be disruptive. In summary, the available evidence is currently insufficient to determine the role of this variant in disease. Therefore, it has been classified as a Variant of Uncertain Significance.

GeneDx
Classification: Uncertain significance. Last evaluated: 2025-09-16. Review status: criteria provided, single submitter. Criteria: GeneDx Variant Classification Process June 2021. Collection method: clinical testing. Allele origin: germline.
Comment: Has not been previously published as pathogenic or benign to our knowledge; In silico analysis supports that this missense variant has a deleterious effect on protein structure/function

Ambry Genetics
Classification: Uncertain significance for Hereditary cancer-predisposing syndrome. Last evaluated: 2025-06-13. Review status: criteria provided, single submitter. Criteria: Ambry Variant Classification Scheme 2023. Collection method: clinical testing. Allele origin: germline.
Comment: The p.M953L variant (also known as c.2857A>T), located in coding exon 21 of the MSH3 gene, results from an A to T substitution at nucleotide position 2857. The methionine at codon 953 is replaced by leucine, an amino acid with highly similar properties. This amino acid position is highly conserved in available vertebrate species. In addition, this alteration is predicted to be deleterious by in silico analysis. Since supporting evidence is limited at this time, the clinical significance of this alteration remains unclear.

Center for Genomic Medicine, Rigshospitalet, Copenhagen University Hospital
Classification: Uncertain significance. Last evaluated: 2025-03-04. Review status: criteria provided, single submitter. Criteria: ACMG Guidelines, 2015. Collection method: clinical testing. Allele origin: germline.

Baylor Genetics
Classification: Uncertain significance for Endometrial carcinoma. Last evaluated: 2024-02-26. Review status: criteria provided, single submitter. Criteria: ACMG Guidelines, 2015. Collection method: clinical testing. Allele origin: unknown.

Quest Diagnostics Nichols Institute San Juan Capistrano
Classification: Uncertain significance. Last evaluated: 2023-12-27. Review status: criteria provided, single submitter. Criteria: Quest Diagnostics criteria. Collection method: clinical testing. Allele origin: unknown.
Comment: The MSH3 c.2857A>T (p.Met953Leu) variant has not been reported in individuals with MSH3-related conditions in the published literature. The frequency of this variant in the general population, 0.00036 (11/30604 chromosomes (Genome Aggregation Database)), is uninformative in the assessment of its pathogenicity. Analysis of this variant using bioinformatics tools for the prediction of the effect of amino acid changes on protein structure and function yielded predictions that this variant is damaging. Based on the available information, we are unable to determine the clinical significance of this variant.

Sema4
Classification: Uncertain significance for Hereditary cancer-predisposing syndrome. Last evaluated: 2022-01-07. Review status: criteria provided, single submitter. Criteria: Sema4 Curation Guidelines. Collection method: curation. Allele origin: germline.
Comment: The MSH3 c.2857A>T (p.M953L) variant has not been reported in the literature to our knowledge. It was observed in 27/250822 chromosomes in the large and broad cohorts of the Genome Aggregation Database (PMID: 32461654). This variant has been reported in ClinVar (Variation ID 645032). In silico tools suggest the impact of the variant on protein function is deleterious, though these predictions have not been confirmed by functional studies. The evidence is insufficient to meet ACMG/AMP criteria for classifying the variant as benign or pathogenic. Thus, the clinical significance of this variant is currently uncertain.

Laboratory of Medical Genetics Unit, Bambino Gesù Children's Hospital
Classification: Uncertain significance for Diffuse midline glioma, H3 K27-altered. Review status: criteria provided, single submitter. Criteria: ACMG Guidelines, 2015. Collection method: research. Allele origin: germline. Affected: yes. Observed: 1 heterozygote.